The following is an entry in ClinVar:

ClinVar aggregate classification (germline): Pathogenic. Review status: criteria provided, multiple submitters, no conflicts (2 of 4 stars). 6 submissions from 6 submitters: Pathogenic (3). 3 of the submissions do not count toward it. Last evaluated 2025-11-03.

Conditions:
Menkes kinky-hair syndrome (MNK). Also called: Menkes Disease; Copper transport disease; Classic Menkes Disease. Identifiers: Orphanet 565, MedGen C0022716, MONDO:0010651, OMIM 309400.
X-linked distal spinal muscular atrophy type 3. Also called: NEURONOPATHY, DISTAL HEREDITARY MOTOR, X-LINKED; NEUROPATHY, DISTAL HEREDITARY MOTOR, X-LINKED; ATP7A-Related Distal Motor Neuropathy; SPINAL MUSCULAR ATROPHY, DISTAL, X-LINKED RECESSIVE. Identifiers: Orphanet 139557, MedGen C1845359, MONDO:0010338, OMIM 300489.
Cutis laxa, X-linked (OHS). Also called: EDS IX; Occipital horn syndrome. Identifiers: Orphanet 198, MedGen C0268353, MONDO:0010572, OMIM 304150.

Submissions (6):

Labcorp Genetics (formerly Invitae), Labcorp
Classification: Pathogenic for X-linked distal spinal muscular atrophy type 3; Cutis laxa, X-linked; Menkes kinky-hair syndrome. Last evaluated: 2025-11-03. Review status: criteria provided, single submitter. Criteria: Invitae Variant Classification Sherloc (09022015). Collection method: clinical testing. Allele origin: germline.
Comment: This sequence change creates a premature translational stop signal (p.Arg201*) in the ATP7A gene. It is expected to result in an absent or disrupted protein product. Loss-of-function variants in ATP7A are known to be pathogenic (PMID: 11241493, 20652413). This variant is not present in population databases (gnomAD no frequency). This premature translational stop signal has been observed in individuals with Menkes disease (PMID: 19194885, 28451781). ClinVar contains an entry for this variant (Variation ID: 11793). For these reasons, this variant has been classified as Pathogenic.

Eurofins Ntd Llc (ga)
Classification: Pathogenic. Last evaluated: 2016-02-05. Review status: criteria provided, single submitter. Criteria: EGL Classification Definitions 2015. Collection method: clinical testing. Allele origin: germline. Observed: 2 variant alleles, 1 heterozygote, 1 hemizygote.

Genetic Services Laboratory, University of Chicago
Classification: Pathogenic for Menkes disease. Last evaluated: 2013-02-08. Review status: criteria provided, single submitter. Criteria: ACMG Guidelines, 2007. Collection method: clinical testing. Allele origin: germline. Affected: yes.

Natera, Inc.
Classification: Pathogenic for Menkes kinky hair syndrome. Last evaluated: 2018-01-05. Review status: no assertion criteria provided. Collection method: clinical testing. Allele origin: germline. Not counted in ClinVar's aggregate classification.

Inherited Neuropathy Consortium Ii, University Of Miami
Classification: Uncertain significance for Menkes kinky-hair syndrome. Last evaluated: 2016-01-06. Review status: no assertion criteria provided. Collection method: literature only. Allele origin: germline. Affected: yes. Not counted in ClinVar's aggregate classification.

OMIM
Classification: Pathogenic for MENKES DISEASE. Last evaluated: 2009-01-01. Review status: no assertion criteria provided. Collection method: literature only. Allele origin: germline. Not counted in ClinVar's aggregate classification.

Literature cited by the submitters: PubMed 11241493 (cited by Labcorp Genetics (formerly Invitae), Labcorp); PubMed 20652413 (cited by Labcorp Genetics (formerly Invitae), Labcorp); PubMed 19194885 (cited by Labcorp Genetics (formerly Invitae), Labcorp and OMIM); PubMed 28451781 (cited by Labcorp Genetics (formerly Invitae), Labcorp); PubMed 8981948 (cited by Inherited Neuropathy Consortium Ii, University Of Miami).

NM_000052.7(ATP7A):c.601C>T (p.Arg201Ter)

Gene: ATP7A (ATPase copper transporting alpha; plus strand). Cytogenetic location: Xq21.1.
Variant type: single nucleotide variant.
Coding change: c.601C>T on transcript NM_000052.7 (MANE Select); coding-DNA position 601, C replaced by T.
Protein change: p.Arg201Ter; replaces arginine 201 with a stop codon.
Molecular consequence: nonsense.
Genome position (GRCh38, 1-based): chrX:77,988,722, C>T. VCF-style: chrX-77988722-C-T. GRCh37 (hg19) VCF-style: chrX-77244218-C-T.
Other names: c.601C>T, p.Arg201Ter (NM_001282224.2); short protein forms R201*.
Identifiers: ClinVar variation 11793 (VCV000011793.24), dbSNP rs151340633, ClinGen allele CA256073.
Genomic context (GRCh38, chrX:77,988,722, plus strand): 5'-ACCTGCCATTCATGTACTAGCACTATTGAAGGAAAAATTGGGAAACTGCAAGGTGTTCAG[C>T]GAATTAAAGGTAATGTGTCTGGTGTTGATTGTTTTGTAAGGCTTAGGTGTCTGTTTTGAT-3'